The following is an entry in ClinVar:

ClinVar aggregate classification (germline): Uncertain significance (1 of 4 stars; one submission).

Conditions:
Pigmentary pallidal degeneration (NBIA1). Also called: PKAN NEUROAXONAL DYSTROPHY, JUVENILE-ONSET; HARP SYNDROME; Neurodegeneration with brain iron accumulation 1; Neuroaxonal dystrophy, late infantile; Hallervorden-Spatz disease; Pantothenate Kinase-Associated Neurodegeneration. Identifiers: Orphanet 157850, MedGen C0018523, MONDO:0009319, OMIM 234200.

Submission:

Labcorp Genetics (formerly Invitae), Labcorp
Classification: Uncertain significance for Pigmentary pallidal degeneration. Last evaluated: 2021-12-18. Review status: criteria provided, single submitter. Criteria: Invitae Variant Classification Sherloc (09022015). Collection method: clinical testing. Allele origin: germline.
Comment: In summary, the available evidence is currently insufficient to determine the role of this variant in disease. Therefore, it has been classified as a Variant of Uncertain Significance. Algorithms developed to predict the effect of missense changes on protein structure and function are either unavailable or do not agree on the potential impact of this missense change (SIFT: "Not Available"; PolyPhen-2: "Probably Damaging"; Align-GVGD: "Not Available"). This variant has not been reported in the literature in individuals affected with PANK2-related conditions. Information on the frequency of this variant in the gnomAD database is not available, as this variant may be reported differently in the database. This sequence change replaces arginine, which is basic and polar, with threonine, which is neutral and polar, at codon 278 of the PANK2 protein (p.Arg278Thr).

NM_001386393.1(PANK2):c.502_503delinsAC (p.Arg168Thr)

Gene: PANK2 (pantothenate kinase 2; plus strand). Cytogenetic location: 20p13.
Variant type: Indel.
Coding change: c.502_503delinsAC on transcript NM_001386393.1 (MANE Select); coding-DNA positions 502 to 503, CG replaced by AC.
Protein change: p.Arg168Thr; replaces arginine 168 with threonine.
Molecular consequence: missense variant. On other transcripts: 5 prime UTR variant (4), non-coding transcript variant (1).
Genome position (GRCh38, 1-based): chr20:3,908,129-3,908,130, CG replaced by AC. VCF-style: chr20-3908129-CG-AC. GRCh37 (hg19) VCF-style: chr20-3888776-CG-AC.
Other names: c.-42_-41delinsAC (NM_001324191.2, NM_024960.6, NM_153640.4); c.832_833delinsAC, p.Arg278Thr (NM_001324192.1, NM_153638.4); c.-334_-333delinsAC (NM_001324193.2); short protein forms R168T, R278T.
Identifiers: ClinVar variation 2047341 (VCV002047341.4), dbSNP rs2515490547, ClinGen allele CA2580098004.